The following is an entry in ClinVar:

ClinVar aggregate classification (germline): Uncertain significance (1 of 4 stars; one submission).

Conditions:
Hereditary cancer-predisposing syndrome. Also called: Neoplastic Syndromes, Hereditary; Tumor predisposition; Hereditary Cancer Syndrome; Hereditary neoplastic syndrome. Identifiers: Orphanet 140162, MedGen C0027672, MeSH D009386, MONDO:0015356.

Submission:

Ambry Genetics
Classification: Uncertain significance for Hereditary cancer-predisposing syndrome. Last evaluated: 2025-11-26. Review status: criteria provided, single submitter. Criteria: Ambry Variant Classification Scheme 2023. Collection method: clinical testing. Allele origin: germline.
Comment: The p.Q1041K variant (also known as c.3121C>A), located in coding exon 14 of the MET gene, results from a C to A substitution at nucleotide position 3121. The glutamine at codon 1041 is replaced by lysine, an amino acid with similar properties. This amino acid position is conserved. In addition, this alteration is predicted to be tolerated by in silico analysis. Based on the available evidence, the clinical significance of this variant remains unclear.

NM_000245.4(MET):c.3067C>A (p.Gln1023Lys)

Gene: MET (MET proto-oncogene, receptor tyrosine kinase; plus strand). Cytogenetic location: 7q31.2.
Variant type: single nucleotide variant.
Coding change: c.3067C>A on transcript NM_000245.4 (MANE Select); coding-DNA position 3067, C replaced by A.
Protein change: p.Gln1023Lys; replaces glutamine 1023 with lysine.
Molecular consequence: missense variant.
Genome position (GRCh38, 1-based): chr7:116,774,919, C>A. VCF-style: chr7-116774919-C-A. GRCh37 (hg19) VCF-style: chr7-116414973-C-A.
Other names: c.3121C>A, p.Gln1041Lys (NM_001127500.3); c.1777C>A, p.Gln593Lys (NM_001324402.2); short protein forms Q1023K, Q1041K, Q593K.
Identifiers: ClinVar variation 4648179 (VCV004648179.1).